The following is an entry in ClinVar:

ClinVar aggregate classification (germline): Uncertain significance (1 of 4 stars; one submission).

Submission:

CeGaT Center for Human Genetics Tuebingen
Classification: Uncertain significance. Last evaluated: 2024-09-01. Review status: criteria provided, single submitter. Criteria: CeGaT Center For Human Genetics Tuebingen Variant Classification Criteria Version 2. Collection method: clinical testing. Allele origin: germline. Affected: yes. Observed: 1 variant allele.
Comment: TTN: PM2

NM_001267550.2(TTN):c.76306G>C (p.Glu25436Gln)

Genes: TTN (titin; minus strand), TTN-AS1 (TTN antisense RNA 1; plus strand). Cytogenetic location: 2q31.2.
Variant type: single nucleotide variant.
Coding change: c.76306G>C on transcript NM_001267550.2 (MANE Select); coding-DNA position 76306, G replaced by C.
Protein change: p.Glu25436Gln; replaces glutamic acid 25436 with glutamine.
Molecular consequence: missense variant.
Genome position (GRCh38, 1-based): chr2:178,569,826, C>G on the plus strand (G>C on the coding strand, the complement: TTN is on the minus strand). VCF-style: chr2-178569826-C-G. GRCh37 (hg19) VCF-style: chr2-179434553-C-G.
Other names: c.71383G>C, p.Glu23795Gln (NM_001256850.1); c.49111G>C, p.Glu16371Gln (NM_003319.4); c.68602G>C, p.Glu22868Gln (NM_133378.4); c.49486G>C, p.Glu16496Gln (NM_133432.3); c.49687G>C, p.Glu16563Gln (NM_133437.4); short protein forms E16371Q, E16496Q, E16563Q, E22868Q, E23795Q, E25436Q.
Identifiers: ClinVar variation 3389536 (VCV003389536.14).